The following is an entry in ClinVar:

NM_032888.4(COL27A1):c.4520G>A (p.Arg1507Gln)

Gene: COL27A1 (collagen type XXVII alpha 1 chain; plus strand). Cytogenetic location: 9q32.
Variant type: single nucleotide variant.
Coding change: c.4520G>A on transcript NM_032888.4 (MANE Select); coding-DNA position 4520, G replaced by A.
Protein change: p.Arg1507Gln; replaces arginine 1507 with glutamine.
Molecular consequence: missense variant.
Genome position (GRCh38, 1-based): chr9:114,292,146, G>A. VCF-style: chr9-114292146-G-A. GRCh37 (hg19) VCF-style: chr9-117054426-G-A.
Other names: c.4520G>A (NM_032888.2); short protein forms R1507Q.
Identifiers: ClinVar variation 2153888 (VCV002153888.2), dbSNP rs769947565, ClinGen allele CA5202967.
Genomic context (GRCh38, chr9:114,292,146, plus strand): 5'-TTGTGTGTTTCTTTAAGGGTGAGAGTGGGTTACCCGGACAGCTGGGTCCCCCTGGCAAGC[G>A]AGGAACAGAGGGCAGAACGGGGCTCCCTGGAAACCAGGGGGAGCCTGGGTCCAAAGGCCA-3'
Protein context (NP_116277.2, residues 1497-1517): LPGQLGPPGK[Arg1507Gln]GTEGRTGLPG

ClinVar aggregate classification (germline): Uncertain significance. Review status: criteria provided, multiple submitters, no conflicts (2 of 4 stars). 2 submissions from 2 submitters: Uncertain significance (2). Last evaluated 2022-07-24.

Conditions:
Inborn genetic diseases. Identifiers: MedGen C0950123, MeSH D030342.

Allele frequency attached by ClinVar (database versions not stated): gnomAD 0.00005; gnomAD exomes 0.00005; ExAC 0.00009; TOPMed 0.00011.

Submissions (2):

Labcorp Genetics (formerly Invitae), Labcorp
Classification: Uncertain significance. Last evaluated: 2022-07-24. Review status: criteria provided, single submitter. Criteria: Invitae Variant Classification Sherloc (09022015). Collection method: clinical testing. Allele origin: germline.
Comment: This sequence change replaces arginine, which is basic and polar, with glutamine, which is neutral and polar, at codon 1507 of the COL27A1 protein (p.Arg1507Gln). The frequency data for this variant in the population databases is considered unreliable, as metrics indicate poor data quality at this position in the gnomAD database. This variant has not been reported in the literature in individuals affected with COL27A1-related conditions. Advanced modeling of protein sequence and biophysical properties (such as structural, functional, and spatial information, amino acid conservation, physicochemical variation, residue mobility, and thermodynamic stability) performed at Invitae indicates that this missense variant is not expected to disrupt COL27A1 protein function. In summary, the available evidence is currently insufficient to determine the role of this variant in disease. Therefore, it has been classified as a Variant of Uncertain Significance.

Ambry Genetics
Classification: Uncertain significance for Inborn genetic diseases. Last evaluated: 2021-10-22. Review status: criteria provided, single submitter. Criteria: Ambry Variant Classification Scheme 2023. Collection method: clinical testing. Allele origin: germline.